The following is an entry in ClinVar:

ClinVar aggregate classification (germline): Uncertain significance (1 of 4 stars; one submission).

Conditions:
Cystic fibrosis (CF). Also called: MUCOVISCIDOSIS. Identifiers: Orphanet 586, MedGen C0010674, MONDO:0009061, OMIM 219700. Disease mechanism: loss of function.

Submission:

Ambry Genetics
Classification: Uncertain significance for Cystic fibrosis. Last evaluated: 2024-04-26. Review status: criteria provided, single submitter. Criteria: Ambry Variant Classification Scheme 2023. Collection method: clinical testing. Allele origin: germline.
Comment: The p.K163Q variant (also known as c.487A>C), located in coding exon 4 of the CFTR gene, results from an A to C substitution at nucleotide position 487. The lysine at codon 163 is replaced by glutamine, an amino acid with similar properties. This amino acid position is conserved. In addition, this alteration is predicted to be deleterious by in silico analysis. Based on the available evidence, the clinical significance of this variant remains unclear.

NM_000492.4(CFTR):c.487A>C (p.Lys163Gln)

Gene: CFTR (CF transmembrane conductance regulator; plus strand). Cytogenetic location: 7q31.2.
Variant type: single nucleotide variant.
Coding change: c.487A>C on transcript NM_000492.4 (MANE Select); coding-DNA position 487, A replaced by C.
Protein change: p.Lys163Gln; replaces lysine 163 with glutamine.
Molecular consequence: missense variant.
Genome position (GRCh38, 1-based): chr7:117,531,112, A>C. VCF-style: chr7-117531112-A-C. GRCh37 (hg19) VCF-style: chr7-117171166-A-C.
Other names: short protein forms K163Q.
Identifiers: ClinVar variation 3266657 (VCV003266657.1).